The following is an entry in ClinVar:

ClinVar aggregate classification (germline): Uncertain significance. Review status: criteria provided, multiple submitters, no conflicts (2 of 4 stars). 2 submissions from 2 submitters: Uncertain significance (2). Last evaluated 2026-01-21.

Conditions:
Inborn genetic diseases. Identifiers: MedGen C0950123, MeSH D030342.

gnomAD v4.1: 8 of 1,613,850 alleles (0.0005%); highest among the groups gnomAD compares: African/African-American, 0.011%; no homozygotes.

Submissions (2):

GeneDx
Classification: Uncertain significance. Last evaluated: 2026-01-21. Review status: criteria provided, single submitter. Criteria: GeneDx Variant Classification Process June 2021. Collection method: clinical testing. Allele origin: germline.
Comment: In silico analysis supports that this missense variant has a deleterious effect on protein structure/function; Has not been previously published as pathogenic or benign to our knowledge

Ambry Genetics
Classification: Uncertain significance for Inborn genetic diseases. Last evaluated: 2025-04-14. Review status: criteria provided, single submitter. Criteria: Ambry Variant Classification Scheme 2023. Collection method: clinical testing. Allele origin: germline.

NM_016180.5(SLC45A2):c.218T>A (p.Val73Glu)

Gene: SLC45A2 (solute carrier family 45 member 2; minus strand). Cytogenetic location: 5p13.2.
Variant type: single nucleotide variant.
Coding change: c.218T>A on transcript NM_016180.5 (MANE Select); coding-DNA position 218, T replaced by A.
Protein change: p.Val73Glu; replaces valine 73 with glutamic acid.
Molecular consequence: missense variant.
Genome position (GRCh38, 1-based): chr5:33,984,366, A>T on the plus strand (T>A on the coding strand, the complement: SLC45A2 is on the minus strand). VCF-style: chr5-33984366-A-T. GRCh37 (hg19) VCF-style: chr5-33984471-A-T.
Other names: c.218T>A, p.Val73Glu (NM_001012509.4, NM_001297417.4); short protein forms V73E.
Identifiers: ClinVar variation 3957048 (VCV003957048.2).